The following is an entry in ClinVar:

NM_000548.5(TSC2):c.1258-2A>G

Gene: TSC2 (TSC complex subunit 2; plus strand). Cytogenetic location: 16p13.3.
Variant type: single nucleotide variant.
Coding change: c.1258-2A>G on transcript NM_000548.5 (MANE Select); the canonical splice acceptor site of the intron before coding-DNA position 1258, A replaced by G.
Molecular consequence: splice acceptor variant. On other transcripts: intron variant (2).
Genome position (GRCh38, 1-based): chr16:2,062,495, A>G. VCF-style: chr16-2062495-A-G. GRCh37 (hg19) VCF-style: chr16-2112496-A-G.
Other names: c.-87-2A>G (NM_001406693.1, NM_001406689.1, NM_001406690.1 and 4 more transcripts); c.1348-2A>G (NM_001406667.1, NM_001406668.1); c.658-2A>G (NM_001406680.1, NM_001406683.1, NM_001406687.1 and 6 more transcripts); c.-263-2A>G (NM_001406698.1); c.1258-2A>G (NM_001114382.3, NM_001406663.1, NM_001406664.1 and 6 more transcripts); c.-55-34A>G (NM_001406694.1, NM_001406695.1); c.1246-2A>G (NM_001406671.1, NM_001406673.1); c.796-2A>G (NM_001406681.1); and 4 more.
Identifiers: ClinVar variation 1028339 (VCV001028339.8), dbSNP rs45517160, ClinGen allele CA394321727.

ClinVar aggregate classification (germline): Pathogenic. Review status: criteria provided, multiple submitters, no conflicts (2 of 4 stars). 3 submissions from 3 submitters: Pathogenic (3). Last evaluated 2024-01-03.

Conditions:
Tuberous sclerosis 2 (TSC2). Identifiers: Orphanet 805, MedGen C1860707, MONDO:0013199, OMIM 613254.

Submissions (3):

ARUP Laboratories, Molecular Genetics and Genomics, ARUP Laboratories
Classification: Pathogenic. Last evaluated: 2024-01-03. Review status: criteria provided, single submitter. Criteria: ARUP Molecular Germline Variant Investigation Process 2024. Collection method: clinical testing. Allele origin: germline.
Comment: The TSC2 c.1258-2A>G variant (rs45517160) is reported in the literature in two individuals affected with tuberous sclerosis complex (Meng 2021, Reyna-Fabian 2020). This variant is reported in ClinVar (Variation ID: 1028339) and is absent from the Genome Aggregation Database (v2.1.1), indicating it is not a common polymorphism. This variant disrupts the canonical splice acceptor site of intron 12, which is likely to negatively impact gene function. Based on available information, this variant is considered to be pathogenic. References: Meng Y et al. Mutation landscape of TSC1/TSC2 in Chinese patients with tuberous sclerosis complex. J Hum Genet. 2021 Mar;66(3):227-236. PMID: 32917966. Reyna-Fabian ME et al. First comprehensive TSC1/TSC2 mutational analysis in Mexican patients with Tuberous Sclerosis Complex reveals numerous novel pathogenic variants. Sci Rep. 2020 Apr 20;10(1):6589. PMID: 32313033.

Labcorp Genetics (formerly Invitae), Labcorp
Classification: Pathogenic for Tuberous sclerosis 2. Last evaluated: 2021-11-19. Review status: criteria provided, single submitter. Criteria: Invitae Variant Classification Sherloc (09022015). Collection method: clinical testing. Allele origin: germline.
Comment: For these reasons, this variant has been classified as Pathogenic. Disruption of this splice site has been observed in individual(s) with tuberous sclerosis complex (TSC) (PMID: 32313033). In at least one individual the variant was observed to be de novo. ClinVar contains an entry for this variant (Variation ID: 1028339). Algorithms developed to predict the effect of sequence changes on RNA splicing suggest that this variant may disrupt the consensus splice site. This variant is not present in population databases (gnomAD no frequency). This sequence change affects an acceptor splice site in intron 12 of the TSC2 gene. It is expected to disrupt RNA splicing. Variants that disrupt the donor or acceptor splice site typically lead to a loss of protein function (PMID: 16199547), and loss-of-function variants in TSC2 are known to be pathogenic (PMID: 10205261, 17304050).

Baylor Genetics
Classification: Pathogenic for Tuberous sclerosis 2. Last evaluated: 2020-11-25. Review status: criteria provided, single submitter. Criteria: ACMG Guidelines, 2015. Collection method: clinical testing. Allele origin: de novo. Affected: yes.
Comment: This variant was determined to be pathogenic according to ACMG Guidelines, 2015 [PMID:25741868].

Literature cited by the submitters: PubMed 32313033 (cited by Labcorp Genetics (formerly Invitae), Labcorp); PubMed 16199547 (cited by Labcorp Genetics (formerly Invitae), Labcorp); PubMed 10205261 (cited by Labcorp Genetics (formerly Invitae), Labcorp); PubMed 17304050 (cited by Labcorp Genetics (formerly Invitae), Labcorp).